The following is an entry in ClinVar:

NM_152393.4(KLHL40):c.1418A>G (p.Asp473Gly)

Gene: KLHL40 (kelch like family member 40; plus strand). Cytogenetic location: 3p22.1.
Variant type: single nucleotide variant.
Coding change: c.1418A>G on transcript NM_152393.4 (MANE Select); coding-DNA position 1418, A replaced by G.
Protein change: p.Asp473Gly; replaces aspartic acid 473 with glycine.
Molecular consequence: missense variant.
Genome position (GRCh38, 1-based): chr3:42,688,714, A>G. VCF-style: chr3-42688714-A-G. GRCh37 (hg19) VCF-style: chr3-42730206-A-G.
Other names: short protein forms D473G.
Identifiers: ClinVar variation 963584 (VCV000963584.6), dbSNP rs1697314863, ClinGen allele CA352294010.
Genomic context (GRCh38, chr3:42,688,714, plus strand): 5'-ATGGCCACACAGTGCTCTCCCACATGGACCTTGTCTACGTAATTGGCGGCAAAGGCAGTG[A>G]CAGGTGAGGCTGGGCCTGGAGTGAGTCTGTGGAGCAGAGGTAGAATCTCCCAGAGGCTGT-3'
Protein context (NP_689606.2, residues 463-483): LVYVIGGKGS[Asp473Gly]RKCLNKMCVY

ClinVar aggregate classification (germline): Uncertain significance (1 of 4 stars; one submission).

Conditions:
Nemaline myopathy 8 (NEM8). Also called: Nemaline myopathy 8, autosomal recessive. Identifiers: Orphanet 171430, MedGen C3809209, MONDO:0014138, OMIM 615348.

Allele frequency attached by ClinVar (database versions not stated): gnomAD exomes 0.00001.
gnomAD v4.1: 22 of 1,612,572 alleles (0.0014%); highest among the groups gnomAD compares: Non-Finnish European, 0.0017%; no homozygotes.

Submission:

Labcorp Genetics (formerly Invitae), Labcorp
Classification: Uncertain significance for Nemaline myopathy 8. Last evaluated: 2022-09-01. Review status: criteria provided, single submitter. Criteria: Invitae Variant Classification Sherloc (09022015). Collection method: clinical testing. Allele origin: germline.
Comment: This sequence change replaces aspartic acid, which is acidic and polar, with glycine, which is neutral and non-polar, at codon 473 of the KLHL40 protein (p.Asp473Gly). This variant is not present in population databases (gnomAD no frequency). This variant has not been reported in the literature in individuals affected with KLHL40-related conditions. ClinVar contains an entry for this variant (Variation ID: 963584). Algorithms developed to predict the effect of missense changes on protein structure and function (SIFT, PolyPhen-2, Align-GVGD) all suggest that this variant is likely to be tolerated. In summary, the available evidence is currently insufficient to determine the role of this variant in disease. Therefore, it has been classified as a Variant of Uncertain Significance.